The following is an entry in ClinVar:

NM_016562.4(TLR7):c.1078A>G (p.Met360Val)

Gene: TLR7 (toll like receptor 7; plus strand). Cytogenetic location: Xp22.2.
Variant type: single nucleotide variant.
Coding change: c.1078A>G on transcript NM_016562.4 (MANE Select); coding-DNA position 1078, A replaced by G.
Protein change: p.Met360Val; replaces methionine 360 with valine.
Molecular consequence: missense variant.
Genome position (GRCh38, 1-based): chrX:12,886,586, A>G. VCF-style: chrX-12886586-A-G. GRCh37 (hg19) VCF-style: chrX-12904705-A-G.
Other names: short protein forms M360V.
Identifiers: ClinVar variation 4754730 (VCV004754730.1).

ClinVar aggregate classification (germline): Uncertain significance (1 of 4 stars; one submission).

Submission:

Labcorp Genetics (formerly Invitae), Labcorp
Classification: Uncertain significance. Last evaluated: 2025-09-29. Review status: criteria provided, single submitter. Criteria: Invitae Variant Classification Sherloc (09022015). Collection method: clinical testing. Allele origin: germline.
Comment: This sequence change replaces methionine, which is neutral and non-polar, with valine, which is neutral and non-polar, at codon 360 of the TLR7 protein (p.Met360Val). This variant is present in population databases (rs201181342, gnomAD 0.004%). This variant has not been reported in the literature in individuals affected with TLR7-related conditions. An algorithm developed to predict the effect of missense changes on protein structure and function (PolyPhen-2) suggests that this variant is likely to be tolerated. In summary, the available evidence is currently insufficient to determine the role of this variant in disease. Therefore, it has been classified as a Variant of Uncertain Significance.